The following is an entry in ClinVar:

ClinVar aggregate classification (germline): Benign/Likely benign. Review status: criteria provided, multiple submitters, no conflicts (2 of 4 stars). 4 submissions from 4 submitters: Benign (3); Likely benign (1). Last evaluated 2026-02-01.

Allele frequency attached by ClinVar (database versions not stated): gnomAD exomes 0.00113 and 0.00175; ExAC 0.00184; ESP Exome Variant Server 0.00284; gnomAD 0.00296 and 0.00302; TOPMed 0.00357; 1000 Genomes Project 30x 0.00375; 1000 Genomes Project 0.00419.
gnomAD v4.1: 2,265 of 1,614,186 alleles (0.14%); highest among the groups gnomAD compares: Middle Eastern, 2%; 21 homozygotes.

Submissions (4):

Labcorp Genetics (formerly Invitae), Labcorp
Classification: Benign. Last evaluated: 2026-02-01. Review status: criteria provided, single submitter. Criteria: Invitae Variant Classification Sherloc (09022015). Collection method: clinical testing. Allele origin: germline.

Blueprint Genetics
Classification: Likely benign. Last evaluated: 2024-11-26. Review status: criteria provided, single submitter. Criteria: ACMG Guidelines, 2015. Collection method: clinical testing. Allele origin: germline.

GeneDx
Classification: Benign. Last evaluated: 2013-09-10. Review status: criteria provided, single submitter. Criteria: GeneDx Variant Classification (06012015). Collection method: clinical testing. Allele origin: germline. Affected: yes.
Comment: This variant is considered likely benign or benign based on one or more of the following criteria: it is a conservative change, it occurs at a poorly conserved position in the protein, it is predicted to be benign by multiple in silico algorithms, and/or has population frequency not consistent with disease.

Breakthrough Genomics
Classification: Benign. Review status: criteria provided, single submitter. Criteria: ACMG Guidelines, 2015. Collection method: not provided. Allele origin: germline. Inheritance: Autosomal recessive inheritance. Affected: yes.

NM_001098.3(ACO2):c.1954-12C>T

Genes: ACO2 (aconitase 2; plus strand), POLR3H (RNA polymerase III subunit H; minus strand). Cytogenetic location: 22q13.2.
Variant type: single nucleotide variant.
Coding change: c.1954-12C>T on transcript NM_001098.3 (MANE Select); 12 bases into the intron before coding-DNA position 1954, C replaced by T.
Molecular consequence: intron variant. On other transcripts: 3 prime UTR variant (5).
Genome position (GRCh38, 1-based): chr22:41,527,276, C>T. VCF-style: chr22-41527276-C-T. GRCh37 (hg19) VCF-style: chr22-41923280-C-T.
Other names: c.*2007G>A (NM_001018050.4, NM_001018052.4, NM_001282884.2 and 2 more transcripts).
Identifiers: ClinVar variation 136265 (VCV000136265.10), dbSNP rs151134505, ClinGen allele CA289263.